The following is an entry in ClinVar:

ClinVar aggregate classification (germline): Uncertain significance (1 of 4 stars; one submission).

Allele frequency attached by ClinVar (database versions not stated): ExAC 0.00001; gnomAD 0.00001.
gnomAD v4.1: 8 of 1,612,414 alleles (0.0005%); highest among the groups gnomAD compares: South Asian, 0.0077%; 1 homozygote.

Submission:

Labcorp Genetics (formerly Invitae), Labcorp
Classification: Uncertain significance. Last evaluated: 2022-06-29. Review status: criteria provided, single submitter. Criteria: Invitae Variant Classification Sherloc (09022015). Collection method: clinical testing. Allele origin: germline.
Comment: In summary, the available evidence is currently insufficient to determine the role of this variant in disease. Therefore, it has been classified as a Variant of Uncertain Significance. This sequence change replaces threonine, which is neutral and polar, with serine, which is neutral and polar, at codon 765 of the LAMC3 protein (p.Thr765Ser). This variant is present in population databases (rs752977803, gnomAD 0.01%). This variant has not been reported in the literature in individuals affected with LAMC3-related conditions. Algorithms developed to predict the effect of missense changes on protein structure and function (SIFT, PolyPhen-2, Align-GVGD) all suggest that this variant is likely to be tolerated.

NM_006059.4(LAMC3):c.2294C>G (p.Thr765Ser)

Gene: LAMC3 (laminin subunit gamma 3; plus strand). Cytogenetic location: 9q34.12.
Variant type: single nucleotide variant.
Coding change: c.2294C>G on transcript NM_006059.4 (MANE Select); coding-DNA position 2294, C replaced by G.
Protein change: p.Thr765Ser; replaces threonine 765 with serine.
Molecular consequence: missense variant.
Genome position (GRCh38, 1-based): chr9:131,061,170, C>G. VCF-style: chr9-131061170-C-G. GRCh37 (hg19) VCF-style: chr9-133936557-C-G.
Other names: short protein forms T765S.
Identifiers: ClinVar variation 2005865 (VCV002005865.4), dbSNP rs752977803, ClinGen allele CA5287379.